The following is an entry in ClinVar:

NM_199420.4(POLQ):c.2528G>T (p.Arg843Leu)

Gene: POLQ (DNA polymerase theta; minus strand). Cytogenetic location: 3q13.33.
Variant type: single nucleotide variant.
Coding change: c.2528G>T on transcript NM_199420.4 (MANE Select); coding-DNA position 2528, G replaced by T.
Protein change: p.Arg843Leu; replaces arginine 843 with leucine.
Molecular consequence: missense variant.
Genome position (GRCh38, 1-based): chr3:121,490,403, C>A on the plus strand (G>T on the coding strand, the complement: POLQ is on the minus strand). VCF-style: chr3-121490403-C-A. GRCh37 (hg19) VCF-style: chr3-121209250-C-A.
Other names: NC_000003.11:g.121209250C>A; short protein forms R843L.
Identifiers: ClinVar variation 1792620 (VCV001792620.4), dbSNP rs765591013, ClinGen allele CA2563221.

ClinVar aggregate classification (germline): Uncertain significance (1 of 4 stars; one submission).

gnomAD v4.1: 22 of 1,613,262 alleles (0.0014%); highest among the groups gnomAD compares: Non-Finnish European, 0.0019%; no homozygotes.

Submissions (2):

Ambry Genetics
Classification: Uncertain significance. Last evaluated: 2023-09-09. Review status: criteria provided, single submitter. Criteria: Ambry Variant Classification Scheme 2023. Collection method: clinical testing. Allele origin: germline.
Comment: The p.R843L variant (also known as c.2528G>T), located in coding exon 16 of the POLQ gene, results from a G to T substitution at nucleotide position 2528. The arginine at codon 843 is replaced by leucine, an amino acid with dissimilar properties. This amino acid position is conserved. In addition, this alteration is predicted to be tolerated by in silico analysis. Since supporting evidence is limited at this time, the clinical significance of this alteration remains unclear.

Dr. Peter K. Rogan Lab, Western University
No classification provided (evidence only). Condition: Clear cell carcinoma of kidney. Review status: no classification provided. Collection method: in vitro. Allele origin: not applicable. Functional consequence: retained intron. Not counted in ClinVar's aggregate classification.